The following is an entry in ClinVar:

NM_005055.5(RAPSN):c.912+20A>G

Gene: RAPSN (receptor associated protein of the synapse; minus strand). Cytogenetic location: 11p11.2.
Variant type: single nucleotide variant.
Coding change: c.912+20A>G on transcript NM_005055.5 (MANE Select); 20 bases into the intron after coding-DNA position 912, A replaced by G.
Molecular consequence: intron variant.
Genome position (GRCh38, 1-based): chr11:47,441,591, T>C on the plus strand (A>G on the coding strand, the complement: RAPSN is on the minus strand). VCF-style: chr11-47441591-T-C. GRCh37 (hg19) VCF-style: chr11-47463143-T-C.
Other names: c.789+232A>G (NM_032645.5).
Identifiers: ClinVar variation 513200 (VCV000513200.4), dbSNP rs763929869, ClinGen allele CA5976586.
Genomic context (GRCh38, chr11:47,441,591, plus strand): 5'-CTGAAAGAGCCGGCTAACCTACTGGCCCCAAGTGGGGAGTGCTGGGAGGGCTGGAGGCTG[T>C]GGGAAAGGCCCGACCTCACCTTGTCCAGCGCCTTCCTGGCCACCCAGCACTTGGCCACAC-3'

ClinVar aggregate classification (germline): Likely benign. Review status: criteria provided, multiple submitters, no conflicts (2 of 4 stars). 2 submissions from 2 submitters: Likely benign (2). Last evaluated 2025-01-31.

Conditions:
Fetal akinesia deformation sequence 1 (FADS1). Also called: Pena-Shokeir syndrome type I; Fetal akinesia sequence. Identifiers: Orphanet 994, MedGen C1276035, MONDO:0100101, OMIM 208150, HP:0001989.
Congenital myasthenic syndrome 11. Also called: MYASTHENIC SYNDROME, CONGENITAL, Ie; Myasthenic syndrome, congenital, 11, associated with acetylcholine receptor deficiency. Identifiers: Orphanet 590, MedGen C4225367, MONDO:0014588, OMIM 616326.

Allele frequency attached by ClinVar (database versions not stated): gnomAD exomes below 0.00001 and 0.00001; ExAC 0.00001; TOPMed 0.00001; gnomAD 0.00002.
gnomAD v4.1: 12 of 1,602,672 alleles (0.00075%); highest among the groups gnomAD compares: Non-Finnish European, 0.001%; no homozygotes.

Submissions (2):

Labcorp Genetics (formerly Invitae), Labcorp
Classification: Likely benign for Congenital myasthenic syndrome 11; Fetal akinesia deformation sequence 1. Last evaluated: 2025-01-31. Review status: criteria provided, single submitter. Criteria: Invitae Variant Classification Sherloc (09022015). Collection method: clinical testing. Allele origin: germline.

GeneDx
Classification: Likely benign. Last evaluated: 2017-11-09. Review status: criteria provided, single submitter. Criteria: GeneDx Variant Classification (06012015). Collection method: clinical testing. Allele origin: germline. Affected: yes.
Comment: This variant is considered likely benign or benign based on one or more of the following criteria: it is a conservative change, it occurs at a poorly conserved position in the protein, it is predicted to be benign by multiple in silico algorithms, and/or has population frequency not consistent with disease.